The following is an entry in ClinVar:

NM_000441.2(SLC26A4):c.606del (p.Phe203fs)

Gene: SLC26A4 (solute carrier family 26 member 4; plus strand). Cytogenetic location: 7q22.3.
Variant type: Deletion.
Coding change: c.606del on transcript NM_000441.2 (MANE Select); coding-DNA position 606, one base deleted (A; older notation c.606delA).
Protein change: p.Phe203fs; shifts the reading frame from phenylalanine 203.
Molecular consequence: frameshift variant.
Genome position (GRCh38, 1-based): chr7:107,674,950, A deleted. VCF-style (leftmost placement, unchanged base first): chr7-107674949-TA-T. GRCh37 (hg19) VCF-style: chr7-107315394-TA-T.
Other names: short protein forms F203fs.
Identifiers: ClinVar variation 2032322 (VCV002032322.4), dbSNP rs2535297403, ClinGen allele CA2580076133.

ClinVar aggregate classification (germline): Pathogenic (1 of 4 stars; one submission).

Submission:

Labcorp Genetics (formerly Invitae), Labcorp
Classification: Pathogenic. Last evaluated: 2022-09-23. Review status: criteria provided, single submitter. Criteria: Invitae Variant Classification Sherloc (09022015). Collection method: clinical testing. Allele origin: germline.
Comment: This sequence change creates a premature translational stop signal (p.Phe203Leufs*9) in the SLC26A4 gene. It is expected to result in an absent or disrupted protein product. Loss-of-function variants in SLC26A4 are known to be pathogenic (PMID: 16283880, 25394566, 26252218, 26445815). This variant is not present in population databases (gnomAD no frequency). This variant has not been reported in the literature in individuals affected with SLC26A4-related conditions. For these reasons, this variant has been classified as Pathogenic.

Literature cited by the submitters: PubMed 16283880; PubMed 25394566; PubMed 26252218; PubMed 26445815.